The following is an entry in ClinVar:

ClinVar aggregate classification (germline): Likely pathogenic (1 of 4 stars; one submission).

Conditions:
Jeune thoracic dystrophy. Also called: Jeune syndrome; Infantile thoracic dystrophy; Thoracic pelvic phalangeal dystrophy; Jeune's syndrome; Chondroectodermal dysplasia-like syndrome; Short-rib thoracic dysplasia. Identifiers: Orphanet 474, MedGen C0265275, MONDO:0018770.

Submission:

Labcorp Genetics (formerly Invitae), Labcorp
Classification: Likely pathogenic for Jeune thoracic dystrophy. Last evaluated: 2024-03-10. Review status: criteria provided, single submitter. Criteria: Invitae Variant Classification Sherloc (09022015). Collection method: clinical testing. Allele origin: germline.
Comment: This sequence change affects an acceptor splice site in intron 7 of the DYNC2H1 gene. It is expected to disrupt RNA splicing. Variants that disrupt the donor or acceptor splice site typically lead to a loss of protein function (PMID: 16199547), and loss-of-function variants in DYNC2H1 are known to be pathogenic (PMID: 23339108, 32753734, 33755199). This variant is not present in population databases (gnomAD no frequency). This variant has not been reported in the literature in individuals affected with DYNC2H1-related conditions. Algorithms developed to predict the effect of sequence changes on RNA splicing suggest that this variant may disrupt the consensus splice site. In summary, the currently available evidence indicates that the variant is pathogenic, but additional data are needed to prove that conclusively. Therefore, this variant has been classified as Likely Pathogenic.

Literature cited by the submitters: PubMed 16199547; PubMed 23339108; PubMed 32753734; PubMed 33755199.

NM_001377.3(DYNC2H1):c.1135-1G>C

Gene: DYNC2H1 (dynein cytoplasmic 2 heavy chain 1; plus strand). Cytogenetic location: 11q22.3.
Variant type: single nucleotide variant.
Coding change: c.1135-1G>C on transcript NM_001377.3 (MANE Select); the canonical splice acceptor site of the intron before coding-DNA position 1135, G replaced by C.
Molecular consequence: splice acceptor variant.
Genome position (GRCh38, 1-based): chr11:103,120,688, G>C. VCF-style: chr11-103120688-G-C. GRCh37 (hg19) VCF-style: chr11-102991417-G-C.
Other names: c.1135-1G>C (NM_001080463.2).
Identifiers: ClinVar variation 3645304 (VCV003645304.2).
Genomic context (GRCh38, chr11:103,120,688, plus strand): 5'-GTTCTTTTTAAAGACAGATTTAAAAAATACTAAAGTCTAACAATGTTGTTAATGTATGTA[G>C]CCCTTGTGGAAAGCTGCGGTGTCTCAATATGAAAAGATTATTGCACCTGCGGAACAAAAA-3'